The following is an entry in ClinVar:

NM_003803.4(MYOM1):c.4231T>C (p.Cys1411Arg)

Gene: MYOM1 (myomesin 1; minus strand). Cytogenetic location: 18p11.31.
Variant type: single nucleotide variant.
Coding change: c.4231T>C on transcript NM_003803.4 (MANE Select); coding-DNA position 4231, T replaced by C.
Protein change: p.Cys1411Arg; replaces cysteine 1411 with arginine.
Molecular consequence: missense variant.
Genome position (GRCh38, 1-based): chr18:3,086,058, A>G on the plus strand (T>C on the coding strand, the complement: MYOM1 is on the minus strand). VCF-style: chr18-3086058-A-G. GRCh37 (hg19) VCF-style: chr18-3086056-A-G.
Other names: c.3943T>C, p.Cys1315Arg (NM_019856.2); short protein forms C1315R, C1411R.
Identifiers: ClinVar variation 2178255 (VCV002178255.4), dbSNP rs2510495129, ClinGen allele CA401710858.

ClinVar aggregate classification (germline): Uncertain significance (1 of 4 stars; one submission).

Conditions:
Hypertrophic cardiomyopathy. Also called: HYPERTROPHIC MYOCARDIOPATHY. Identifiers: Orphanet 217569, MedGen C0007194, MeSH D002312, MONDO:0005045, HP:0001639.

gnomAD v4.1: 1 of 1,607,328 alleles (0.000062%); highest among the groups gnomAD compares: Admixed American, 0.0017%; no homozygotes.

Submission:

Labcorp Genetics (formerly Invitae), Labcorp
Classification: Uncertain significance for Hypertrophic cardiomyopathy. Last evaluated: 2025-04-23. Review status: criteria provided, single submitter. Criteria: Invitae Variant Classification Sherloc (09022015). Collection method: clinical testing. Allele origin: germline.
Comment: This sequence change replaces cysteine, which is neutral and slightly polar, with arginine, which is basic and polar, at codon 1411 of the MYOM1 protein (p.Cys1411Arg). This variant is not present in population databases (gnomAD no frequency). This variant has not been reported in the literature in individuals affected with MYOM1-related conditions. ClinVar contains an entry for this variant (Variation ID: 2178255). Invitae Evidence Modeling of protein sequence and biophysical properties (such as structural, functional, and spatial information, amino acid conservation, physicochemical variation, residue mobility, and thermodynamic stability) indicates that this missense variant is not expected to disrupt MYOM1 protein function with a negative predictive value of 80%. In summary, the available evidence is currently insufficient to determine the role of this variant in disease. Therefore, it has been classified as a Variant of Uncertain Significance.